The following is an entry in ClinVar:

NM_005732.4(RAD50):c.1715A>G (p.Asn572Ser)

Gene: RAD50 (RAD50 double strand break repair protein; plus strand). Cytogenetic location: 5q31.1.
Variant type: single nucleotide variant.
Coding change: c.1715A>G on transcript NM_005732.4 (MANE Select); coding-DNA position 1715, A replaced by G.
Protein change: p.Asn572Ser; replaces asparagine 572 with serine.
Molecular consequence: missense variant.
Genome position (GRCh38, 1-based): chr5:132,591,956, A>G. VCF-style: chr5-132591956-A-G. GRCh37 (hg19) VCF-style: chr5-131927648-A-G.
Other names: short protein forms N572S.
Identifiers: ClinVar variation 185682 (VCV000185682.16), dbSNP rs146063619, ClinGen allele CA192609.

ClinVar aggregate classification (germline): Uncertain significance. Review status: criteria provided, multiple submitters, no conflicts (2 of 4 stars). 3 submissions from 3 submitters: Uncertain significance (3). Last evaluated 2025-07-30.

Conditions:
Hereditary cancer-predisposing syndrome. Also called: Hereditary neoplastic syndrome; Neoplastic Syndromes, Hereditary; Tumor predisposition; Hereditary Cancer Syndrome. Identifiers: Orphanet 140162, MedGen C0027672, MeSH D009386, MONDO:0015356.
Nijmegen breakage syndrome-like disorder (NBSLD). Also called: MICROCEPHALY AND SPONTANEOUS CHROMOSOME INSTABILITY WITHOUT IMMUNODEFICIENCY; NBS-LIKE DISORDER; RAD50 DEFICIENCY. Identifiers: Orphanet 240760, MedGen C2751318, MONDO:0013118, OMIM 613078.

Allele frequency attached by ClinVar (database versions not stated): gnomAD exomes below 0.00001; TOPMed 0.00002; ESP Exome Variant Server 0.00008.
gnomAD v4.1: 3 of 1,612,128 alleles (0.00019%); highest among the groups gnomAD compares: African/African-American, 0.0027%; no homozygotes.

Submissions (3):

Labcorp Genetics (formerly Invitae), Labcorp
Classification: Uncertain significance for Hereditary cancer-predisposing syndrome. Last evaluated: 2025-07-30. Review status: criteria provided, single submitter. Criteria: Invitae Variant Classification Sherloc (09022015). Collection method: clinical testing. Allele origin: germline.
Comment: This sequence change replaces asparagine, which is neutral and polar, with serine, which is neutral and polar, at codon 572 of the RAD50 protein (p.Asn572Ser). This variant is not present in population databases (gnomAD no frequency). This variant has not been reported in the literature in individuals affected with RAD50-related conditions. ClinVar contains an entry for this variant (Variation ID: 185682). Invitae Evidence Modeling of protein sequence and biophysical properties (such as structural, functional, and spatial information, amino acid conservation, physicochemical variation, residue mobility, and thermodynamic stability) indicates that this missense variant is not expected to disrupt RAD50 protein function with a negative predictive value of 80%. In summary, the available evidence is currently insufficient to determine the role of this variant in disease. Therefore, it has been classified as a Variant of Uncertain Significance.

Ambry Genetics
Classification: Uncertain significance for Hereditary cancer-predisposing syndrome. Last evaluated: 2024-09-08. Review status: criteria provided, single submitter. Criteria: Ambry Variant Classification Scheme 2023. Collection method: clinical testing. Allele origin: germline.
Comment: The p.N572S variant (also known as c.1715A>G), located in coding exon 11 of the RAD50 gene, results from an A to G substitution at nucleotide position 1715. The asparagine at codon 572 is replaced by serine, an amino acid with highly similar properties. This variant was identified in a cohort of 3,579 African males diagnosed with prostate cancer who underwent multi-gene panel testing of 19 DNA repair and cancer predisposition genes (Matejcic M et al. JCO Precis Oncol, 2020 Jan;4:32-43). This amino acid position is highly conserved in available vertebrate species. In addition, this alteration is predicted to be tolerated by in silico analysis. Since supporting evidence is limited at this time, the clinical significance of this alteration remains unclear.

Baylor Genetics
Classification: Uncertain significance for Nijmegen breakage syndrome-like disorder. Last evaluated: 2024-03-07. Review status: criteria provided, single submitter. Criteria: ACMG Guidelines, 2015. Collection method: clinical testing. Allele origin: unknown.

Literature cited by the submitters: PubMed 32832836 (cited by Ambry Genetics).